The following is an entry in ClinVar:

NM_020884.7(MYH7B):c.4990C>T (p.Arg1664Trp)

Gene: MYH7B (myosin heavy chain 7B; plus strand). Cytogenetic location: 20q11.22.
Variant type: single nucleotide variant.
Coding change: c.4990C>T on transcript NM_020884.7 (MANE Select); coding-DNA position 4990, C replaced by T.
Protein change: p.Arg1664Trp; replaces arginine 1664 with tryptophan.
Molecular consequence: missense variant.
Genome position (GRCh38, 1-based): chr20:35,000,501, C>T. VCF-style: chr20-35000501-C-T. GRCh37 (hg19) VCF-style: chr20-33588304-C-T.
Other names: c.5116C>T (NM_020884.3); short protein forms R1664W.
Identifiers: ClinVar variation 2798631 (VCV002798631.4), dbSNP rs1247217032, ClinGen allele CA408718136.

ClinVar aggregate classification (germline): Uncertain significance. Review status: criteria provided, multiple submitters, no conflicts (2 of 4 stars). 2 submissions from 2 submitters: Uncertain significance (2). Last evaluated 2024-07-07.

Allele frequency attached by ClinVar (database versions not stated): gnomAD exomes below 0.00001; gnomAD 0.00001.
gnomAD v4.1: 5 of 1,598,180 alleles (0.00031%); highest among the groups gnomAD compares: East Asian, 0.0045%; no homozygotes.

Submissions (2):

Ambry Genetics
Classification: Uncertain significance. Last evaluated: 2024-07-07. Review status: criteria provided, single submitter. Criteria: Ambry Variant Classification Scheme 2023. Collection method: clinical testing. Allele origin: germline.

Labcorp Genetics (formerly Invitae), Labcorp
Classification: Uncertain significance. Last evaluated: 2023-11-10. Review status: criteria provided, single submitter. Criteria: Invitae Variant Classification Sherloc (09022015). Collection method: clinical testing. Allele origin: germline.
Comment: This sequence change replaces arginine, which is basic and polar, with tryptophan, which is neutral and slightly polar, at codon 1706 of the MYH7B protein (p.Arg1706Trp). This variant is not present in population databases (gnomAD no frequency). This variant has not been reported in the literature in individuals affected with MYH7B-related conditions. Advanced modeling of protein sequence and biophysical properties (such as structural, functional, and spatial information, amino acid conservation, physicochemical variation, residue mobility, and thermodynamic stability) performed at Invitae indicates that this missense variant is expected to disrupt MYH7B protein function with a positive predictive value of 80%. In summary, the available evidence is currently insufficient to determine the role of this variant in disease. Therefore, it has been classified as a Variant of Uncertain Significance.